The following is an entry in ClinVar:

ClinVar aggregate classification (germline): Uncertain significance. Review status: criteria provided, multiple submitters, no conflicts (2 of 4 stars). 2 submissions from 2 submitters: Uncertain significance (2). Last evaluated 2023-10-11.

gnomAD v4.1: 9 of 1,606,900 alleles (0.00056%); highest among the groups gnomAD compares: Admixed American, 0.015%; 1 homozygote.

Submissions (2):

Labcorp Genetics (formerly Invitae), Labcorp
Classification: Uncertain significance. Last evaluated: 2023-10-11. Review status: criteria provided, single submitter. Criteria: Invitae Variant Classification Sherloc (09022015). Collection method: clinical testing. Allele origin: germline.
Comment: This sequence change replaces glycine, which is neutral and non-polar, with arginine, which is basic and polar, at codon 30 of the FSCN2 protein (p.Gly30Arg). This variant is present in population databases (rs781809699, gnomAD 0.02%). This variant has not been reported in the literature in individuals affected with FSCN2-related conditions. ClinVar contains an entry for this variant (Variation ID: 1383845). An algorithm developed to predict the effect of missense changes on protein structure and function (PolyPhen-2) suggests that this variant is likely to be disruptive. In summary, the available evidence is currently insufficient to determine the role of this variant in disease. Therefore, it has been classified as a Variant of Uncertain Significance.

Ambry Genetics
Classification: Uncertain significance. Last evaluated: 2023-02-22. Review status: criteria provided, single submitter. Criteria: Ambry Variant Classification Scheme 2023. Collection method: clinical testing. Allele origin: germline.

NM_012418.4(FSCN2):c.88G>C (p.Gly30Arg)

Gene: FSCN2 (fascin actin-bundling protein 2, retinal; plus strand). Cytogenetic location: 17q25.3.
Variant type: single nucleotide variant.
Coding change: c.88G>C on transcript NM_012418.4 (MANE Select); coding-DNA position 88, G replaced by C.
Protein change: p.Gly30Arg; replaces glycine 30 with arginine.
Molecular consequence: missense variant.
Genome position (GRCh38, 1-based): chr17:81,528,619, G>C. VCF-style: chr17-81528619-G-C. GRCh37 (hg19) VCF-style: chr17-79495645-G-C.
Other names: c.88G>C, p.Gly30Arg (NM_001077182.3); c.88G>C (NM_001077182.2); short protein forms G30R.
Identifiers: ClinVar variation 1383845 (VCV001383845.7), dbSNP rs781809699, ClinGen allele CA8836579.